The following is an entry in ClinVar:

ClinVar aggregate classification (germline): Uncertain significance (1 of 4 stars; one submission).

Allele frequency attached by ClinVar (database versions not stated): ExAC 0.00001; gnomAD exomes 0.00002; gnomAD 0.00003; TOPMed 0.00004; ESP Exome Variant Server 0.00008.
gnomAD v4.1: 39 of 1,614,078 alleles (0.0024%); highest among the groups gnomAD compares: East Asian, 0.0045%; no homozygotes.

Submission:

Labcorp Genetics (formerly Invitae), Labcorp
Classification: Uncertain significance. Last evaluated: 2024-07-25. Review status: criteria provided, single submitter. Criteria: Invitae Variant Classification Sherloc (09022015). Collection method: clinical testing. Allele origin: germline.
Comment: This sequence change falls in intron 7 of the SIAE gene. It does not directly change the encoded amino acid sequence of the SIAE protein. It affects a nucleotide within the consensus splice site. This variant is present in population databases (rs368108570, gnomAD 0.005%). This variant has not been reported in the literature in individuals affected with SIAE-related conditions. ClinVar contains an entry for this variant (Variation ID: 2163221). Variants that disrupt the consensus splice site are a relatively common cause of aberrant splicing (PMID: 17576681, 9536098). Algorithms developed to predict the effect of sequence changes on RNA splicing suggest that this variant is not likely to affect RNA splicing. In summary, the available evidence is currently insufficient to determine the role of this variant in disease. Therefore, it has been classified as a Variant of Uncertain Significance.

Literature cited by the submitters: PubMed 17576681; PubMed 9536098.

NM_170601.5(SIAE):c.966+5G>A

Gene: SIAE (sialic acid acetylesterase; minus strand). Cytogenetic location: 11q24.2.
Variant type: single nucleotide variant.
Coding change: c.966+5G>A on transcript NM_170601.5 (MANE Select); 5 bases into the intron after coding-DNA position 966, G replaced by A.
Molecular consequence: intron variant.
Genome position (GRCh38, 1-based): chr11:124,647,360, C>T on the plus strand (G>A on the coding strand, the complement: SIAE is on the minus strand). VCF-style: chr11-124647360-C-T. GRCh37 (hg19) VCF-style: chr11-124517256-C-T.
Other names: c.861+5G>A (NM_001199922.2).
Identifiers: ClinVar variation 2163221 (VCV002163221.4), dbSNP rs368108570, ClinGen allele CA6341360.